The following is an entry in ClinVar:

NM_002049.4(GATA1):c.150_183del (p.Ser51fs)

Gene: GATA1 (GATA binding protein 1; plus strand). Cytogenetic location: Xp11.23.
Variant type: Deletion.
Coding change: c.150_183del on transcript NM_002049.4 (MANE Select); coding-DNA positions 150 to 183, 34 bases deleted.
Protein change: p.Ser51fs; shifts the reading frame from serine 51.
Molecular consequence: frameshift variant.
Genome position (GRCh38, 1-based): chrX:48,791,259-48,791,292, 34 bases deleted; deleting any 34 consecutive bases within chrX:48,791,257-48,791,292 gives the same sequence; the c. name uses the placement nearest the transcript's 3' end. GRCh37 (hg19): chrX:48,649,666-48,649,699.
Other names: short protein forms S51fs.
Identifiers: ClinVar variation 4784640 (VCV004784640.1).

ClinVar aggregate classification (germline): Pathogenic (1 of 4 stars; one submission).

Conditions:
Diamond-Blackfan anemia. Also called: Blackfan Diamond syndrome; Aregenerative anemia chronic congenital; Red cell aplasia, pure hereditary; Congenital hypoplastic anemia; Aase syndrome. Identifiers: Orphanet 124, MedGen C1260899, MeSH D029503, MONDO:0015253, HP:0004810.
GATA binding protein 1 related thrombocytopenia with dyserythropoiesis. Also called: GATA1-Related Cytopenia; GATA1-Related X-Linked Cytopenia. Identifiers: MedGen C1845837, MONDO:0100089.

Submission:

Labcorp Genetics (formerly Invitae), Labcorp
Classification: Pathogenic for GATA binding protein 1 related thrombocytopenia with dyserythropoiesis; Diamond-Blackfan anemia. Last evaluated: 2025-04-08. Review status: criteria provided, single submitter. Criteria: Invitae Variant Classification Sherloc (09022015). Collection method: clinical testing. Allele origin: germline.
Comment: This sequence change creates a premature translational stop signal (p.Ser51Thrfs*75) in the GATA1 gene. It is expected to result in an absent or disrupted protein product. Loss-of-function variants in GATA1 are known to be pathogenic (PMID: 16783379, 22706301, 23704091, 24453067). This variant is not present in population databases (gnomAD no frequency). This variant has not been reported in the literature in individuals affected with GATA1-related conditions. For these reasons, this variant has been classified as Pathogenic.

Literature cited by the submitters: PubMed 16783379; PubMed 22706301; PubMed 23704091; PubMed 24453067.